The following is an entry in ClinVar:

ClinVar aggregate classification (germline): Pathogenic. Review status: criteria provided, multiple submitters, no conflicts (2 of 4 stars). 2 submissions from 2 submitters: Pathogenic (2). Last evaluated 2022-03-07.

Conditions:
Hereditary cancer-predisposing syndrome. Also called: Tumor predisposition; Hereditary neoplastic syndrome; Neoplastic Syndromes, Hereditary; Hereditary Cancer Syndrome. Identifiers: Orphanet 140162, MedGen C0027672, MeSH D009386, MONDO:0015356.
Familial cancer of breast. Also called: BREAST CANCER, FAMILIAL; Hereditary breast cancer; hereditary breast carcinoma. Identifiers: Orphanet 227535, MedGen C0346153, MONDO:0016419, OMIM 114480. Disease mechanism: loss of function.

Submissions (2):

Labcorp Genetics (formerly Invitae), Labcorp
Classification: Pathogenic for Familial cancer of breast. Last evaluated: 2022-03-07. Review status: criteria provided, single submitter. Criteria: Invitae Variant Classification Sherloc (09022015). Collection method: clinical testing. Allele origin: germline.
Comment: ClinVar contains an entry for this variant (Variation ID: 960461). For these reasons, this variant has been classified as Pathogenic. This variant has not been reported in the literature in individuals affected with CHEK2-related conditions. This variant is not present in population databases (gnomAD no frequency). This sequence change creates a premature translational stop signal (p.Ala322Leufs*27) in the CHEK2 gene. It is expected to result in an absent or disrupted protein product. Loss-of-function variants in CHEK2 are known to be pathogenic (PMID: 21876083, 24713400).

Ambry Genetics
Classification: Pathogenic for Hereditary cancer-predisposing syndrome. Last evaluated: 2020-12-11. Review status: criteria provided, single submitter. Criteria: Ambry Variant Classification Scheme 2023. Collection method: clinical testing. Allele origin: germline.
Comment: The c.963delA pathogenic mutation, located in coding exon 8 of the CHEK2 gene, results from a deletion of one nucleotide at nucleotide position 963, causing a translational frameshift with a predicted alternate stop codon (p.A322Lfs*27). This alteration is expected to result in loss of function by premature protein truncation or nonsense-mediated mRNA decay. As such, this alteration is interpreted as a disease-causing mutation.

Literature cited by the submitters: PubMed 21876083 (cited by Labcorp Genetics (formerly Invitae), Labcorp); PubMed 24713400 (cited by Labcorp Genetics (formerly Invitae), Labcorp).

NM_007194.4(CHEK2):c.963del (p.Ala322fs)

Gene: CHEK2 (checkpoint kinase 2; minus strand). Cytogenetic location: 22q12.1.
Variant type: Deletion.
Coding change: c.963del on transcript NM_007194.4 (MANE Select); coding-DNA position 963, one base deleted (A; older notation c.963delA).
Protein change: p.Ala322fs; shifts the reading frame from alanine 322.
Molecular consequence: frameshift variant.
Genome position (GRCh38, 1-based): chr22:28,699,883, T deleted on the plus strand (A on the coding strand, the reverse complement: CHEK2 is on the minus strand); the first of 2 consecutive T bases (chr22:28,699,883-28,699,884); deleting either gives the same sequence. VCF-style (leftmost placement, unchanged base first): chr22-28699882-CT-C. GRCh37 (hg19) VCF-style: chr22-29095870-CT-C.
Other names: c.963delA (NM_007194.3); c.1091delA, p.Ala365Leufs (NM_001005735.3); c.299delA, p.Ala101Leufs (NM_001257387.3); c.761delA, p.Ala255Leufs (NM_001349956.3); c.962delA, p.Ala322Leufs (NM_145862.3); short protein forms A101fs, A255fs, A322fs, A365fs.
Identifiers: ClinVar variation 960461 (VCV000960461.11), dbSNP rs2052762437, ClinGen allele CA1139666353.